The following is an entry in ClinVar:

ClinVar aggregate classification (germline): Uncertain significance (1 of 4 stars; one submission).

Submission:

Labcorp Genetics (formerly Invitae), Labcorp
Classification: Uncertain significance. Last evaluated: 2022-07-19. Review status: criteria provided, single submitter. Criteria: Invitae Variant Classification Sherloc (09022015). Collection method: clinical testing. Allele origin: germline.
Comment: In summary, the available evidence is currently insufficient to determine the role of this variant in disease. Therefore, it has been classified as a Variant of Uncertain Significance. Algorithms developed to predict the effect of missense changes on protein structure and function (SIFT, PolyPhen-2, Align-GVGD) all suggest that this variant is likely to be disruptive. ClinVar contains an entry for this variant (Variation ID: 1439856). This variant has not been reported in the literature in individuals affected with TNNI3K-related conditions. This variant is not present in population databases (gnomAD no frequency). This sequence change replaces isoleucine, which is neutral and non-polar, with threonine, which is neutral and polar, at codon 512 of the TNNI3K protein (p.Ile512Thr).

NM_015978.3(TNNI3K):c.1535T>C (p.Ile512Thr)

Genes: TNNI3K (TNNI3 interacting kinase; plus strand), FPGT-TNNI3K (FPGT-TNNI3K readthrough; plus strand). Cytogenetic location: 1p31.1.
Variant type: single nucleotide variant.
Coding change: c.1535T>C on transcript NM_015978.3 (MANE Select); coding-DNA position 1535, T replaced by C.
Protein change: p.Ile512Thr; replaces isoleucine 512 with threonine.
Molecular consequence: missense variant.
Genome position (GRCh38, 1-based): chr1:74,369,453, T>C. VCF-style: chr1-74369453-T-C. GRCh37 (hg19) VCF-style: chr1-74835137-T-C.
Other names: c.1838T>C, p.Ile613Thr (NM_001112808.3, NM_001199327.2); short protein forms I512T, I613T.
Identifiers: ClinVar variation 1439856 (VCV001439856.8), dbSNP rs2100520576, ClinGen allele CA340786180.